The following is an entry in ClinVar:

NM_001042492.3(NF1):c.7223G>A (p.Arg2408Lys)

Gene: NF1 (neurofibromin 1; plus strand). Cytogenetic location: 17q11.2.
Variant type: single nucleotide variant.
Coding change: c.7223G>A on transcript NM_001042492.3 (MANE Select); coding-DNA position 7223, G replaced by A.
Protein change: p.Arg2408Lys; replaces arginine 2408 with lysine.
Molecular consequence: missense variant.
Genome position (GRCh38, 1-based): chr17:31,349,153, G>A. VCF-style: chr17-31349153-G-A. GRCh37 (hg19) VCF-style: chr17-29676171-G-A.
Other names: c.7160G>A, p.Arg2387Lys (NM_000267.4); short protein forms R2408K, R2387K.
Identifiers: ClinVar variation 658849 (VCV000658849.8), dbSNP rs1597858407, ClinGen allele CA399016717.
Genomic context (GRCh38, chr17:31,349,153, plus strand): 5'-GTTTGTTTGTTTGTTTGTTTTTTGTAGGGTACAGGCATCCTTCACCTGCTATTGTTGCAA[G>A]AACAGTCAGAATTTTACATACACTACTAACTCTGGTTAACAAACACAGAAATTGTGACAA-3'
Protein context (NP_001035957.1, residues 2398-2418): YRHPSPAIVA[Arg2408Lys]TVRILHTLLT

ClinVar aggregate classification (germline): Uncertain significance. Review status: criteria provided, multiple submitters, no conflicts (2 of 4 stars). 2 submissions from 2 submitters: Uncertain significance (2). Last evaluated 2024-09-19.

Conditions:
Cardiovascular phenotype. Identifiers: MedGen CN230736.
Hereditary cancer-predisposing syndrome. Also called: Neoplastic Syndromes, Hereditary; Hereditary neoplastic syndrome; Hereditary Cancer Syndrome; Tumor predisposition. Identifiers: Orphanet 140162, MedGen C0027672, MeSH D009386, MONDO:0015356.
Neurofibromatosis, type 1 (NF1). Also called: VON RECKLINGHAUSEN DISEASE; NEUROFIBROMATOSIS, TYPE I, SOMATIC; Peripheral type neurofibromatosis; Neurofibromatosis, type I. Identifiers: Orphanet 636, MedGen C0027831, MONDO:0018975, OMIM 162200. Disease mechanism: loss of function.

Submissions (2):

Labcorp Genetics (formerly Invitae), Labcorp
Classification: Uncertain significance for Neurofibromatosis, type 1. Last evaluated: 2024-09-19. Review status: criteria provided, single submitter. Criteria: Invitae Variant Classification Sherloc (09022015). Collection method: clinical testing. Allele origin: germline.
Comment: This sequence change replaces arginine, which is basic and polar, with lysine, which is basic and polar, at codon 2387 of the NF1 protein (p.Arg2387Lys). This variant is not present in population databases (gnomAD no frequency). This variant has not been reported in the literature in individuals affected with NF1-related conditions. ClinVar contains an entry for this variant (Variation ID: 658849). Invitae Evidence Modeling of protein sequence and biophysical properties (such as structural, functional, and spatial information, amino acid conservation, physicochemical variation, residue mobility, and thermodynamic stability) indicates that this missense variant is expected to disrupt NF1 protein function with a positive predictive value of 95%. In summary, the available evidence is currently insufficient to determine the role of this variant in disease. Therefore, it has been classified as a Variant of Uncertain Significance.

Ambry Genetics
Classification: Uncertain significance for Cardiovascular phenotype; Hereditary cancer-predisposing syndrome. Last evaluated: 2024-01-05. Review status: criteria provided, single submitter. Criteria: Ambry Variant Classification Scheme 2023. Collection method: clinical testing. Allele origin: germline.
Comment: The p.R2387K variant (also known as c.7160G>A), located in coding exon 48 of the NF1 gene, results from a G to A substitution at nucleotide position 7160. The arginine at codon 2387 is replaced by lysine, an amino acid with highly similar properties. This amino acid position is highly conserved in available vertebrate species. In addition, the in silico prediction for this alteration is inconclusive. Since supporting evidence is limited at this time, the clinical significance of this alteration remains unclear.